The following is an entry in ClinVar:

ClinVar aggregate classification (germline): Conflicting classifications of pathogenicity. Review status: criteria provided, conflicting classifications (1 of 4 stars). 3 submissions from 3 submitters: Likely pathogenic (1); Uncertain significance (2). Last evaluated 2024-11-07.

Conditions:
Hypertrophic cardiomyopathy 1 (CMH1). Also called: MYH7-Related Familial Hypertrophic Cardiomyopathy; Familial hypertrophic cardiomyopathy 1. Identifiers: MedGen C3495498, MONDO:0008647, OMIM 192600.
Myopathy, myosin storage, autosomal recessive (CMYO7B). Also called: CONGENITAL MYOPATHY 7B, MYOSIN STORAGE, AUTOSOMAL RECESSIVE. Identifiers: Orphanet 636970, MedGen C1850709, MONDO:0009708, OMIM 255160.
Myosin storage myopathy (CMYO7A). Also called: MYH7-related late-onset scapuloperoneal muscular dystrophy; Congenital myopathy 7A, myosin storage, autosomal dominant; Scapuloperoneal myopathy, MYH7-related; MYOPATHY WITH LYSIS OF TYPE I MYOFIBRILS; SCAPULOPERONEAL MUSCULAR DYSTROPHY; SCAPULOPERONEAL SYNDROME, MYOPATHIC TYPE. Identifiers: Orphanet 437572, Orphanet 636965, MedGen C1842160, MONDO:0008409, OMIM 608358.
Dilated cardiomyopathy 1S (CMD1S). Identifiers: Orphanet 154, Orphanet 54260, MedGen C1834481, MONDO:0013262, OMIM 613426.
MYH7-related skeletal myopathy. Also called: Laing early-onset distal myopathy; Myopathy, distal, 1; Laing distal myopathy; MYOPATHY, DISTAL, EARLY-ONSET, AUTOSOMAL DOMINANT; MYOPATHY, LATE DISTAL HEREDITARY. Identifiers: Orphanet 59135, MedGen C4552004, MONDO:0008050, OMIM 160500.

Submissions (3):

GeneDx
Classification: Uncertain significance. Last evaluated: 2024-11-07. Review status: criteria provided, single submitter. Criteria: GeneDx Variant Classification Process June 2021. Collection method: clinical testing. Allele origin: germline. Affected: yes.
Comment: Not observed at significant frequency in large population cohorts (gnomAD); In silico analysis supports that this missense variant has a deleterious effect on protein structure/function; Reported in a patient with left ventricular non-compaction (LVNC) who also harbored a variant in the VCL gene (Ahmed Mokhtar et al. (2017) J Clin Case Rep. 7 (6)); This variant is associated with the following publications: (PMID: 27532257, 29300372, Dzemeshkevich2021[abstract], Mokhtar12017[article])

Petrovsky National Research Centre of Surgery, The Federal Agency for Scientific Organizations
Classification: Likely pathogenic for Hypertrophic cardiomyopathy 1; Dilated cardiomyopathy 1S. Last evaluated: 2018-09-30. Review status: criteria provided, single submitter. Criteria: ACMG Guidelines, 2015. Collection method: research. Allele origin: paternal, unknown. Inheritance: Autosomal dominant inheritance. Affected: yes. Observed: 2 heterozygotes. Clinical features observed: Hypertrophic cardiomyopathy (HP:0001639), Left ventricular noncompaction (HP:0030682), Mitral regurgitation (HP:0001653).
Comment: The p.K397E variant was not found in population databases (PM2 criteria); multiple lines of computational evidence support a deleterious effect on gene/gene product (PP3 criteria). Also the p.K397E variant was detected in two affected family members (PP1 criteria) and is located in well-studied functional domain without benign variation. According to Cardioclassifier analysis, the p.K397E variant is located within the HCM cluster of MYH7 where variants, when found in a case, are highly likely to be pathogenic. The etiological fraction (EF, the prior probability that a variant, identified in a case, is pathogenic) for the p.K397E variant is 0.97. Because 2 moderate and 2 supporting criteria are present, we consider the p.K397E variant to be likely pathogenic.

Juno Genomics, Hangzhou Juno Genomics, Inc
Classification: Uncertain significance for Myosin storage myopathy; Myopathy, myosin storage, autosomal recessive; Dilated cardiomyopathy 1S; Hypertrophic cardiomyopathy 1; MYH7-related skeletal myopathy. Review status: criteria provided, single submitter. Criteria: ACMG Guidelines, 2015. Collection method: clinical testing. Allele origin: germline. Affected: yes.
Comment: Absent from controls (or at extremely low frequency if recessive) in Genome Aggregation Database.;De novo (both maternity and paternity confirmed) in a patient with the disease and no family history.;Located in a mutational hot spot and/or critical and well-established functional domain without benign variation.;Multiple lines of computational evidence support a deleterious effect on the gene or gene product.

NM_000257.4(MYH7):c.1189A>G (p.Lys397Glu)

Gene: MYH7 (myosin heavy chain 7; minus strand). Cytogenetic location: 14q11.2.
Variant type: single nucleotide variant.
Coding change: c.1189A>G on transcript NM_000257.4 (MANE Select); coding-DNA position 1189, A replaced by G.
Protein change: p.Lys397Glu; replaces lysine 397 with glutamic acid.
Molecular consequence: missense variant.
Genome position (GRCh38, 1-based): chr14:23,429,297, T>C on the plus strand (A>G on the coding strand, the complement: MYH7 is on the minus strand). VCF-style: chr14-23429297-T-C. GRCh37 (hg19) VCF-style: chr14-23898506-T-C.
Other names: c.1189A>G (NM_000257.2); short protein forms K397E.
Identifiers: ClinVar variation 585010 (VCV000585010.4), dbSNP rs1566535410, ClinGen allele CA389051160.